The following is an entry in ClinVar:

ClinVar aggregate classification (germline): Uncertain significance. Review status: criteria provided, multiple submitters, no conflicts (2 of 4 stars). 2 submissions from 2 submitters: Uncertain significance (2). Last evaluated 2024-03-09.

Allele frequency attached by ClinVar (database versions not stated): gnomAD exomes below 0.00001.
gnomAD v4.1: 3 of 1,613,016 alleles (0.00019%); highest among the groups gnomAD compares: Admixed American, 0.0017%; no homozygotes.

Submissions (2):

Labcorp Genetics (formerly Invitae), Labcorp
Classification: Uncertain significance. Last evaluated: 2024-03-09. Review status: criteria provided, single submitter. Criteria: Invitae Variant Classification Sherloc (09022015). Collection method: clinical testing. Allele origin: germline.
Comment: This sequence change replaces serine, which is neutral and polar, with phenylalanine, which is neutral and non-polar, at codon 673 of the DHX32 protein (p.Ser673Phe). This variant is present in population databases (no rsID available, gnomAD 0.003%). This variant has not been reported in the literature in individuals affected with DHX32-related conditions. ClinVar contains an entry for this variant (Variation ID: 2073977). An algorithm developed to predict the effect of missense changes on protein structure and function (PolyPhen-2) suggests that this variant is likely to be disruptive. In summary, the available evidence is currently insufficient to determine the role of this variant in disease. Therefore, it has been classified as a Variant of Uncertain Significance.

Ambry Genetics
Classification: Uncertain significance. Last evaluated: 2023-04-19. Review status: criteria provided, single submitter. Criteria: Ambry Variant Classification Scheme 2023. Collection method: clinical testing. Allele origin: germline.

NM_018180.3(DHX32):c.2018C>T (p.Ser673Phe)

Genes: BCCIP (BRCA2 and CDKN1A interacting protein; plus strand), DHX32 (DEAH-box helicase 32 (putative); minus strand). Cytogenetic location: 10q26.2.
Variant type: single nucleotide variant.
Coding change: c.2018C>T on transcript NM_018180.3 (MANE Select); coding-DNA position 2018, C replaced by T.
Protein change: p.Ser673Phe; replaces serine 673 with phenylalanine.
Molecular consequence: missense variant. On other transcripts: intron variant (2).
Genome position (GRCh38, 1-based): chr10:125,838,251, G>A on the plus strand (C>T on the coding strand, the complement: DHX32 is on the minus strand). VCF-style: chr10-125838251-G-A. GRCh37 (hg19) VCF-style: chr10-127526820-G-A.
Other names: c.775-3004G>A (NM_016567.4, NM_078469.3); short protein forms S673F.
Identifiers: ClinVar variation 2073977 (VCV002073977.5), dbSNP rs1488594951, ClinGen allele CA378672373.